The following is an entry in ClinVar:

ClinVar aggregate classification (germline): Uncertain significance (1 of 4 stars; one submission).

Conditions:
ADAT3-related disorder. Also called: ADAT3-related condition.

Submission:

PreventionGenetics, part of Exact Sciences
Classification: Uncertain significance for ADAT3-related condition. Last evaluated: 2024-11-13. Review status: criteria provided, single submitter. Criteria: ACMG Guidelines, 2015. Collection method: clinical testing. Allele origin: germline.
Comment: The ADAT3 c.671T>C variant is predicted to result in the amino acid substitution p.Leu224Pro. To our knowledge, this variant has not been reported in the literature or in a large population database (gnomAD), indicating this variant is rare. At this time, the clinical significance of this variant is uncertain due to the absence of conclusive functional and genetic evidence.

NM_138422.4(ADAT3):c.671T>C (p.Leu224Pro)

Genes: ADAT3 (adenosine deaminase tRNA specific 3; plus strand), SCAMP4 (secretory carrier membrane protein 4; plus strand). Cytogenetic location: 19p13.3.
Variant type: single nucleotide variant.
Coding change: c.671T>C on transcript NM_138422.4 (MANE Select); coding-DNA position 671, T replaced by C.
Protein change: p.Leu224Pro; replaces leucine 224 with proline.
Molecular consequence: missense variant. On other transcripts: intron variant (3).
Genome position (GRCh38, 1-based): chr19:1,912,718, T>C. VCF-style: chr19-1912718-T-C. GRCh37 (hg19) VCF-style: chr19-1912717-T-C.
Other names: c.623T>C, p.Leu208Pro (NM_001329533.2); c.-41-2261T>C (NM_079834.4, NM_001329540.2); c.-125-4976T>C (NM_001329539.2); short protein forms L208P, L224P.
Identifiers: ClinVar variation 5000809 (VCV005000809.1).
Genomic context (GRCh38, chr19:1,912,718, plus strand): 5'-CAGCGCGGGGCTTGCGGGCCGTGGGGGCCGTGGTAGTGGACCCGGCCTCGGACCGCGTGC[T>C]GGCCACCGGCCACGACTGCAGCTGCGCGGACAACCCCCTCCTGCACGCCGTCATGGTGTG-3'
Protein context (NP_612431.2, residues 214-234): VVVDPASDRV[Leu224Pro]ATGHDCSCAD